The following is an entry in ClinVar:

NM_001012759.3(CTU2):c.7C>G (p.Gln3Glu)

Gene: CTU2 (cytosolic thiouridylase subunit 2; plus strand). Cytogenetic location: 16q24.3.
Variant type: single nucleotide variant.
Coding change: c.7C>G on transcript NM_001012759.3 (MANE Select); coding-DNA position 7, C replaced by G.
Protein change: p.Gln3Glu; replaces glutamine 3 with glutamic acid.
Molecular consequence: missense variant. On other transcripts: 5 prime UTR variant (1).
Genome position (GRCh38, 1-based): chr16:88,706,537, C>G. VCF-style: chr16-88706537-C-G. GRCh37 (hg19) VCF-style: chr16-88772945-C-G.
Other names: c.7C>G, p.Gln3Glu (NM_001012762.3, NM_001318507.2); c.-176C>G (NM_001318513.2); short protein forms Q3E.
Identifiers: ClinVar variation 4988651 (VCV004988651.1).

ClinVar aggregate classification (germline): Uncertain significance (1 of 4 stars; one submission).

Conditions:
CTU2-related disorder. Also called: CTU2-related condition.

gnomAD v4.1: 5 of 1,456,406 alleles (0.00034%); highest among the groups gnomAD compares: East Asian, 0.012%; no homozygotes.

Submission:

PreventionGenetics, part of Exact Sciences
Classification: Uncertain significance for CTU2-related condition. Last evaluated: 2026-06-21. Review status: criteria provided, single submitter. Criteria: ACMG Guidelines, 2015. Collection method: clinical testing. Allele origin: germline.
Comment: The CTU2 c.7C>G variant is predicted to result in the amino acid substitution p.Gln3Glu. To our knowledge, this variant has not been reported in the literature or in a large population database (gnomAD), indicating this variant is rare. At this time, the clinical significance of this variant is uncertain due to the absence of conclusive functional and genetic evidence.